The following is an entry in ClinVar:

NM_024577.4(SH3TC2):c.*11589C>T

Gene: SH3TC2 (SH3 domain and tetratricopeptide repeats 2; minus strand). Cytogenetic location: 5q32.
Variant type: single nucleotide variant.
Coding change: c.*11589C>T on transcript NM_024577.4 (MANE Select); 11589 bases downstream of the stop codon, C replaced by T.
Molecular consequence: 3 prime UTR variant.
Genome position (GRCh38, 1-based): chr5:148,993,122, G>A on the plus strand (C>T on the coding strand, the complement: SH3TC2 is on the minus strand). VCF-style: chr5-148993122-G-A. GRCh37 (hg19) VCF-style: chr5-148372685-G-A.
Identifiers: ClinVar variation 906373 (VCV000906373.4), dbSNP rs189059447, ClinGen allele CA128988414.

ClinVar aggregate classification (germline): Conflicting classifications of pathogenicity. Review status: criteria provided, conflicting classifications (1 of 4 stars). 2 submissions from 1 submitter: Uncertain significance (1); Likely benign (1). Last evaluated 2018-01-12.

Conditions:
Susceptibility to mononeuropathy of the median nerve, mild. Also called: CARPAL TUNNEL SYNDROME, SUSCEPTIBILITY TO. Identifiers: MedGen C3150596, MONDO:0013237, OMIM 613353.
Charcot-Marie-Tooth disease type 4C (CMT4C). Also called: CHARCOT-MARIE-TOOTH DISEASE, DEMYELINATING, TYPE 4C; SH3TC2-Related Hereditary Motor and Sensory Neuropathy; Charcot-Marie-Tooth Neuropathy Type 4C (CMT4C); CHARCOT-MARIE-TOOTH DISEASE, DEMYELINATING, AUTOSOMAL RECESSIVE, TYPE 4C; CMT 4C. Identifiers: Orphanet 99949, MedGen C1866636, MONDO:0011113, OMIM 601596.

Allele frequency attached by ClinVar (database versions not stated): TOPMed 0.00059; 1000 Genomes Project 0.00060; gnomAD 0.00070 and 0.00072; 1000 Genomes Project 30x 0.00094.
gnomAD v4.1: 105 of 152,234 alleles (0.069%); highest among the groups gnomAD compares: African/African-American, 0.13%; no homozygotes.

Submissions (2):

Illumina Laboratory Services, Illumina
Classification: Likely benign for Susceptibility to mononeuropathy of the median nerve, mild. Last evaluated: 2018-01-12. Review status: criteria provided, single submitter. Criteria: ICSL Variant Classification Criteria 13 December 2019. Collection method: clinical testing. Allele origin: germline.
Comment: This variant was observed in the ICSL laboratory as part of a predisposition screen in an ostensibly healthy population. It had not been previously curated by ICSL or reported in the Human Gene Mutation Database (HGMD: prior to June 1st, 2018), and was therefore a candidate for classification through an automated scoring system. Utilizing variant allele frequency, disease prevalence and penetrance estimates, and inheritance mode, an automated score was calculated to assess if this variant is too frequent to cause the disease. Based on the score and internal cut-off values, a variant classified as likely benign is not then subjected to further curation. The score for this variant resulted in a classification of likely benign for this disease.

Illumina Laboratory Services, Illumina
Classification: Uncertain significance for Charcot-Marie-Tooth disease type 4C. Last evaluated: 2018-01-12. Review status: criteria provided, single submitter. Criteria: ICSL Variant Classification Criteria 13 December 2019. Collection method: clinical testing. Allele origin: germline.